The following is an entry in ClinVar:

ClinVar aggregate classification (germline): Conflicting classifications of pathogenicity. Review status: criteria provided, conflicting classifications (1 of 4 stars). 4 submissions from 4 submitters: Uncertain significance (3); Benign (1). Last evaluated 2025-07-20.

Conditions:
Inborn genetic diseases. Identifiers: MedGen C0950123, MeSH D030342.
Autosomal dominant nonsyndromic hearing loss 17. Also called: Autosomal dominant nonsyndromic deafness 17; Deafness, autosomal dominant 17. Identifiers: Orphanet 90635, MedGen C1863659, MONDO:0011350, OMIM 603622.
Macrothrombocytopenia and granulocyte inclusions with or without nephritis or sensorineural hearing loss (MATINS). Also called: BLEEDING DISORDER, PLATELET-TYPE, 6; DOHLE LEUKOCYTE INCLUSIONS WITH GIANT PLATELETS; MAY-HEGGLIN ANOMALY; MACROTHROMBOCYTOPENIA WITH LEUKOCYTE INCLUSIONS; MYH9-Related Disease (MYH9-RD); Giant platelet syndrome with thrombocytopenia. Identifiers: Orphanet 182050, MedGen C5200934, MONDO:0015912, OMIM 155100.

Allele frequency attached by ClinVar (database versions not stated): gnomAD 0.00001; TOPMed 0.00002; gnomAD exomes 0.00003 and 0.00008; ExAC 0.00007.
gnomAD v4.1: 47 of 1,613,946 alleles (0.0029%); highest among the groups gnomAD compares: South Asian, 0.023%; no homozygotes.

Submissions (4):

Labcorp Genetics (formerly Invitae), Labcorp
Classification: Benign. Last evaluated: 2025-07-20. Review status: criteria provided, single submitter. Criteria: Invitae Variant Classification Sherloc (09022015). Collection method: clinical testing. Allele origin: germline.

GeneDx
Classification: Uncertain significance. Last evaluated: 2024-01-05. Review status: criteria provided, single submitter. Criteria: GeneDx Variant Classification Process June 2021. Collection method: clinical testing. Allele origin: germline. Affected: yes.
Comment: In silico analysis supports that this missense variant does not alter protein structure/function; Has not been previously published as pathogenic or benign to our knowledge

Fulgent Genetics
Classification: Uncertain significance for Macrothrombocytopenia and granulocyte inclusions with or without nephritis or sensorineural hearing loss; Autosomal dominant nonsyndromic hearing loss 17. Last evaluated: 2022-05-27. Review status: criteria provided, single submitter. Criteria: ACMG Guidelines, 2015. Collection method: clinical testing. Allele origin: unknown.

Ambry Genetics
Classification: Uncertain significance for Inborn genetic diseases. Last evaluated: 2021-11-09. Review status: criteria provided, single submitter. Criteria: Ambry Variant Classification Scheme 2023. Collection method: clinical testing. Allele origin: germline.

NM_002473.6(MYH9):c.4883C>T (p.Ser1628Leu)

Gene: MYH9 (myosin heavy chain 9; minus strand). Cytogenetic location: 22q12.3.
Variant type: single nucleotide variant.
Coding change: c.4883C>T on transcript NM_002473.6 (MANE Select); coding-DNA position 4883, C replaced by T.
Protein change: p.Ser1628Leu; replaces serine 1628 with leucine.
Molecular consequence: missense variant.
Genome position (GRCh38, 1-based): chr22:36,288,301, G>A on the plus strand (C>T on the coding strand, the complement: MYH9 is on the minus strand). VCF-style: chr22-36288301-G-A. GRCh37 (hg19) VCF-style: chr22-36684347-G-A.
Other names: c.4883C>T (NM_002473.4); short protein forms S1628L.
Identifiers: ClinVar variation 1348422 (VCV001348422.11), dbSNP rs750410479, ClinGen allele CA10209267.